The following is an entry in ClinVar:

NM_000987.5(RPL26):c.-5-204A>G

Gene: RPL26 (ribosomal protein L26; minus strand). Cytogenetic location: 17p13.1.
Variant type: single nucleotide variant.
Coding change: c.-5-204A>G on transcript NM_000987.5 (MANE Select); 204 bases into the intron before 5 bases upstream of the start codon, A replaced by G.
Molecular consequence: intron variant.
Genome position (GRCh38, 1-based): chr17:8,382,519, T>C on the plus strand (A>G on the coding strand, the complement: RPL26 is on the minus strand). VCF-style: chr17-8382519-T-C. GRCh37 (hg19) VCF-style: chr17-8285837-T-C.
Other names: c.-5-204A>G (NM_001315531.2, NM_001315530.2).
Identifiers: ClinVar variation 1706894 (VCV001706894.2), dbSNP rs61419505, ClinGen allele CA287570348.

ClinVar aggregate classification (germline): Likely benign (1 of 4 stars; one submission).

Allele frequency attached by ClinVar (database versions not stated): gnomAD exomes 0.00132; gnomAD 0.01148; TOPMed 0.01298; 1000 Genomes Project 0.01438; 1000 Genomes Project 30x 0.01608.

Submission:

GeneDx
Classification: Likely benign. Last evaluated: 2021-05-26. Review status: criteria provided, single submitter. Criteria: GeneDx Variant Classification Process June 2021. Collection method: clinical testing. Allele origin: germline. Affected: yes.
Comment: See Variant Classification Assertion Criteria.